The following is an entry in ClinVar:

NM_031407.7(HUWE1):c.12005G>T (p.Arg4002Leu)

Gene: HUWE1 (HECT, UBA and WWE domain containing E3 ubiquitin protein ligase 1; minus strand). Cytogenetic location: Xp11.22.
Variant type: single nucleotide variant.
Coding change: c.12005G>T on transcript NM_031407.7 (MANE Select); coding-DNA position 12005, G replaced by T.
Protein change: p.Arg4002Leu; replaces arginine 4002 with leucine.
Molecular consequence: missense variant.
Genome position (GRCh38, 1-based): chrX:53,537,688, C>A on the plus strand (G>T on the coding strand, the complement: HUWE1 is on the minus strand). VCF-style: chrX-53537688-C-A. GRCh37 (hg19) VCF-style: chrX-53564649-C-A.
Other names: c.11957G>T, p.Arg3986Leu (NM_001441053.1, NM_001441058.1, NM_001441048.1); c.11960G>T, p.Arg3987Leu (NM_001441054.1, NM_001441049.1); c.11981G>T, p.Arg3994Leu (NM_001441055.1, NM_001441050.1); c.12002G>T, p.Arg4001Leu (NM_001441056.1, NM_001441051.1); c.12005G>T, p.Arg4002Leu (NM_001441057.1); c.11603G>T, p.Arg3868Leu (NM_001441052.1); short protein forms R3868L, R3986L, R3987L, R3994L, R4001L, R4002L.
Identifiers: ClinVar variation 4755794 (VCV004755794.1).
Genomic context (GRCh38, chrX:53,537,688, plus strand): 5'-CGGACATGCACAGCCATGTCTTCTTTCCGGAGCCCCTCATCTAAACGCTCCAGCTCTTGG[C>A]GGAAATATCTTGGGAGGTAGAAAAGGAAGGAAGATAGGATTAAGGGTGGCAGAACAAATT-3'
Protein context (NP_113584.3, residues 3992-4012): LDFDVKRKYF[Arg4002Leu]QELERLDEGL

ClinVar aggregate classification (germline): Uncertain significance (1 of 4 stars; one submission).

Submission:

GeneDx
Classification: Uncertain significance. Last evaluated: 2025-08-07. Review status: criteria provided, single submitter. Criteria: GeneDx Variant Classification Process June 2021. Collection method: clinical testing. Allele origin: germline. Affected: yes.
Comment: Not observed at significant frequency in large population cohorts (gnomAD); In silico analysis supports that this missense variant has a deleterious effect on protein structure/function; Has not been previously published as pathogenic or benign to our knowledge